The following is an entry in ClinVar:

NM_001363.5(DKC1):c.1293G>A (p.Val431=)

Gene: DKC1 (dyskerin pseudouridine synthase 1; plus strand). Cytogenetic location: Xq28.
Variant type: single nucleotide variant.
Coding change: c.1293G>A on transcript NM_001363.5 (MANE Select); coding-DNA position 1293, G replaced by A.
Protein change: p.Val431=; no amino-acid change (valine 431 retained).
Molecular consequence: synonymous variant. On other transcripts: 3 prime UTR variant (1), non-coding transcript variant (3).
Genome position (GRCh38, 1-based): chrX:154,775,228, G>A. VCF-style: chrX-154775228-G-A. GRCh37 (hg19) VCF-style: chrX-154003503-G-A.
Other names: c.1278G>A, p.Val426= (NM_001142463.3); c.*519G>A (NM_001288747.2).
Identifiers: ClinVar variation 697360 (VCV000697360.15), dbSNP rs138065506, ClinGen allele CA10567251.

ClinVar aggregate classification (germline): Likely benign. Review status: criteria provided, multiple submitters, no conflicts (2 of 4 stars). 4 submissions from 4 submitters: Likely benign (3). 1 of the submissions does not count toward it. Last evaluated 2025-12-15.

Conditions:
DKC1-related disorder. Also called: DKC1-related condition. Identifiers: MedGen CN294808, MONDO:0100152.
Dyskeratosis congenita. Identifiers: Orphanet 1775, MedGen C0265965, MONDO:0015780.

Allele frequency attached by ClinVar (database versions not stated): gnomAD exomes 0.00004 and 0.00014; ExAC 0.00016; gnomAD 0.00057 and 0.00060; TOPMed 0.00062; ESP Exome Variant Server 0.00066.
gnomAD v4.1: 114 of 1,210,751 alleles (0.0094%); highest among the groups gnomAD compares: African/African-American, 0.19%; no homozygotes.

Submissions (4):

Labcorp Genetics (formerly Invitae), Labcorp
Classification: Likely benign for Dyskeratosis congenita. Last evaluated: 2025-12-15. Review status: criteria provided, single submitter. Criteria: Invitae Variant Classification Sherloc (09022015). Collection method: clinical testing. Allele origin: germline.

Blueprint Genetics
Classification: Likely benign. Last evaluated: 2023-12-14. Review status: criteria provided, single submitter. Criteria: ACMG Guidelines, 2015. Collection method: clinical testing. Allele origin: germline.

Ambry Genetics
Classification: Likely benign for Dyskeratosis congenita. Last evaluated: 2016-01-21. Review status: criteria provided, single submitter. Criteria: Ambry Variant Classification Scheme 2023. Collection method: clinical testing. Allele origin: germline.

PreventionGenetics, part of Exact Sciences
Classification: Likely benign for DKC1-related condition. Last evaluated: 2020-08-04. Review status: no assertion criteria provided. Collection method: clinical testing. Allele origin: germline. Not counted in ClinVar's aggregate classification.
Comment: This variant is classified as likely benign based on ACMG/AMP sequence variant interpretation guidelines (Richards et al. 2015 PMID: 25741868, with internal and published modifications).